The following is an entry in ClinVar:

ClinVar aggregate classification (germline): Benign/Likely benign. Review status: criteria provided, multiple submitters, no conflicts (2 of 4 stars). 3 submissions from 3 submitters: Benign (1); Likely benign (1). 1 of the submissions does not count toward it. Last evaluated 2025-03-31.

Conditions:
SLC20A2-related disorder. Also called: SLC20A2-related condition.
Idiopathic basal ganglia calcification 1 (PFBC1A). Also called: Familial Idiopathic Basal Ganglia Calcification 2; Familial Idiopathic Basal Ganglia Calcification 3; Primary Familial Brain Calcification; PRIMARY FAMILIAL BRAIN CALCIFICATION 1A, AUTOSOMAL DOMINANT; Fahr's syndrome; Cerebral calcification nonarteriosclerotic idiopathic adult-onset. Identifiers: Orphanet 1980, MedGen C4551624, MONDO:0024538, OMIM 213600.

Allele frequency attached by ClinVar (database versions not stated): gnomAD 0.00010 and 0.00011; ExAC 0.00009; TOPMed 0.00014; ESP Exome Variant Server 0.00023; gnomAD exomes 0.00006 and 0.00013.
gnomAD v4.1: 98 of 1,613,916 alleles (0.0061%); highest among the groups gnomAD compares: Admixed American, 0.043%; 1 homozygote.

Submissions (3):

Labcorp Genetics (formerly Invitae), Labcorp
Classification: Benign. Last evaluated: 2025-03-31. Review status: criteria provided, single submitter. Criteria: Invitae Variant Classification Sherloc (09022015). Collection method: clinical testing. Allele origin: germline.

Illumina Laboratory Services, Illumina
Classification: Likely benign for Idiopathic basal ganglia calcification 1. Last evaluated: 2018-01-12. Review status: criteria provided, single submitter. Criteria: ICSL Variant Classification Criteria 13 December 2019. Collection method: clinical testing. Allele origin: germline.
Comment: This variant was observed in the ICSL laboratory as part of a predisposition screen in an ostensibly healthy population. It had not been previously curated by ICSL or reported in the Human Gene Mutation Database (HGMD: prior to June 1st, 2018), and was therefore a candidate for classification through an automated scoring system. Utilizing variant allele frequency, disease prevalence and penetrance estimates, and inheritance mode, an automated score was calculated to assess if this variant is too frequent to cause the disease. Based on the score and internal cut-off values, a variant classified as likely benign is not then subjected to further curation. The score for this variant resulted in a classification of likely benign for this disease.

PreventionGenetics, part of Exact Sciences
Classification: Likely benign for SLC20A2-related condition. Last evaluated: 2023-11-16. Review status: no assertion criteria provided. Collection method: clinical testing. Allele origin: germline. Not counted in ClinVar's aggregate classification.
Comment: This variant is classified as likely benign based on ACMG/AMP sequence variant interpretation guidelines (Richards et al. 2015 PMID: 25741868, with internal and published modifications).

NM_001257180.2(SLC20A2):c.186A>G (p.Leu62=)

Gene: SLC20A2 (solute carrier family 20 member 2; minus strand). Cytogenetic location: 8p11.21.
Variant type: single nucleotide variant.
Coding change: c.186A>G on transcript NM_001257180.2 (MANE Select); coding-DNA position 186, A replaced by G.
Protein change: p.Leu62=; no amino-acid change (leucine 62 retained).
Molecular consequence: synonymous variant.
Genome position (GRCh38, 1-based): chr8:42,472,205, T>C on the plus strand (A>G on the coding strand, the complement: SLC20A2 is on the minus strand). VCF-style: chr8-42472205-T-C. GRCh37 (hg19) VCF-style: chr8-42329723-T-C.
Other names: c.186A>G, p.Leu62= (NM_001257181.2, NM_006749.5); c.186A>G (NM_001257180.1).
Identifiers: ClinVar variation 363093 (VCV000363093.14), dbSNP rs201586836, ClinGen allele CA4733649.